The following is an entry in ClinVar:

ClinVar aggregate classification (germline): Uncertain significance (1 of 4 stars; one submission).

Conditions:
Familial thoracic aortic aneurysm and aortic dissection (TAAD). Also called: Thoracic aortic aneurysms and dissections. Identifiers: Orphanet 91387, MedGen C4707243, MONDO:0019625.

Submission:

Ambry Genetics
Classification: Uncertain significance for Familial thoracic aortic aneurysm and aortic dissection. Last evaluated: 2024-07-04. Review status: criteria provided, single submitter. Criteria: Ambry Variant Classification Scheme 2023. Collection method: clinical testing. Allele origin: germline.
Comment: The p.L18P variant (also known as c.53T>C), located in coding exon 1 of the ACTA2 gene, results from a T to C substitution at nucleotide position 53. The leucine at codon 18 is replaced by proline, an amino acid with similar properties. This amino acid position is conserved. In addition, this alteration is predicted to be deleterious by in silico analysis. Based on the available evidence, the clinical significance of this variant remains unclear.

NM_001613.4(ACTA2):c.53T>C (p.Leu18Pro)

Gene: ACTA2 (actin alpha 2, smooth muscle; minus strand). Cytogenetic location: 10q23.31.
Variant type: single nucleotide variant.
Coding change: c.53T>C on transcript NM_001613.4 (MANE Select); coding-DNA position 53, T replaced by C.
Protein change: p.Leu18Pro; replaces leucine 18 with proline.
Molecular consequence: missense variant.
Genome position (GRCh38, 1-based): chr10:88,948,878, A>G on the plus strand (T>C on the coding strand, the complement: ACTA2 is on the minus strand). VCF-style: chr10-88948878-A-G. GRCh37 (hg19) VCF-style: chr10-90708635-A-G.
Other names: c.53T>C, p.Leu18Pro (NM_001141945.3, NM_001320855.2, NM_001406462.1 and 7 more transcripts); short protein forms L18P.
Identifiers: ClinVar variation 3483255 (VCV003483255.1).